The following is an entry in ClinVar:

ClinVar aggregate classification (germline): Uncertain significance (1 of 4 stars; one submission).

Submission:

Labcorp Genetics (formerly Invitae), Labcorp
Classification: Uncertain significance. Last evaluated: 2024-06-19. Review status: criteria provided, single submitter. Criteria: Invitae Variant Classification Sherloc (09022015). Collection method: clinical testing. Allele origin: germline.
Comment: This sequence change replaces arginine, which is basic and polar, with leucine, which is neutral and non-polar, at codon 643 of the AGAP1 protein (p.Arg643Leu). This variant is present in population databases (no rsID available, gnomAD 0.004%). This variant has not been reported in the literature in individuals affected with AGAP1-related conditions. An algorithm developed to predict the effect of missense changes on protein structure and function (PolyPhen-2) suggests that this variant is likely to be tolerated. In summary, the available evidence is currently insufficient to determine the role of this variant in disease. Therefore, it has been classified as a Variant of Uncertain Significance.

NM_001037131.3(AGAP1):c.2087G>T (p.Arg696Leu)

Gene: AGAP1 (ArfGAP with GTPase domain, ankyrin repeat and PH domain 1; plus strand). Cytogenetic location: 2q37.2.
Variant type: single nucleotide variant.
Coding change: c.2087G>T on transcript NM_001037131.3 (MANE Select); coding-DNA position 2087, G replaced by T.
Protein change: p.Arg696Leu; replaces arginine 696 with leucine.
Molecular consequence: missense variant.
Genome position (GRCh38, 1-based): chr2:236,049,254, G>T. VCF-style: chr2-236049254-G-T. GRCh37 (hg19) VCF-style: chr2-236957898-G-T.
Other names: c.1928G>T, p.Arg643Leu (NM_014914.5); short protein forms R643L, R696L.
Identifiers: ClinVar variation 3675697 (VCV003675697.2).